The following is an entry in ClinVar:

NM_014271.4(IL1RAPL1):c.974AAG[1] (p.Glu326del)

Gene: IL1RAPL1 (interleukin 1 receptor accessory protein like 1; plus strand). Cytogenetic location: Xp21.2.
Variant type: Microsatellite.
Coding change: c.974AAG[1] on transcript NM_014271.4 (MANE Select); one copy of the 3-base unit AAG starting at c.974; the reference has two copies in a row; one copy, 3 bases deleted; also written c.977_979del.
Protein change: p.Glu326del; deletes glutamic acid 326.
Molecular consequence: inframe deletion.
Genome position (GRCh38, 1-based): chrX:29,920,014-29,920,016, AAG deleted; deleting any 3 consecutive bases within chrX:29,920,010-29,920,016 gives the same sequence; the position shown is the placement nearest the transcript's 3' end. VCF-style (leftmost placement, unchanged base first): chrX-29920009-GGAA-G. GRCh37 (hg19) VCF-style: chrX-29938126-GGAA-G.
Other names: c.977_979del (NM_014271.4); short protein forms E326del.
Identifiers: ClinVar variation 3383083 (VCV003383083.2).

ClinVar aggregate classification (germline): Uncertain significance (1 of 4 stars; one submission).

Conditions:
Intellectual developmental disorder, X-linked 21. Also called: MENTAL RETARDATION, X-LINKED 34; Mental retardation, X-linked 21/34; Intellectual disability, X-linked 21. Identifiers: Orphanet 777, MedGen C5551510, MONDO:0010256, OMIM 300143.

Submission:

Juno Genomics, Hangzhou Juno Genomics, Inc
Classification: Uncertain significance for Intellectual developmental disorder, X-linked 21. Review status: criteria provided, single submitter. Criteria: ACMG Guidelines, 2015. Collection method: clinical testing. Allele origin: germline. Affected: yes.
Comment: Absent from controls (or at extremely low frequency if recessive) in Genome Aggregation Database, Exome Sequencing Project, 1000 Genomes Project, or Exome Aggregation Consortium.;Protein length changes due to in-frame deletions/insertions in a non-repeat region or stop-loss variants.;Assumed de novo, but without confirmation of paternity and maternity.;Patient's phenotype or family history is highly specific for a disease with a single genetic etiology.